The following is an entry in ClinVar:

NM_005431.2(XRCC2):c.250G>A (p.Asp84Asn)

Gene: XRCC2 (X-ray repair cross complementing 2; minus strand). Cytogenetic location: 7q36.1.
Variant type: single nucleotide variant.
Coding change: c.250G>A on transcript NM_005431.2 (MANE Select); coding-DNA position 250, G replaced by A.
Protein change: p.Asp84Asn; replaces aspartic acid 84 with asparagine.
Molecular consequence: missense variant.
Genome position (GRCh38, 1-based): chr7:152,649,235, C>T on the plus strand (G>A on the coding strand, the complement: XRCC2 is on the minus strand). VCF-style: chr7-152649235-C-T. GRCh37 (hg19) VCF-style: chr7-152346320-C-T.
Other names: short protein forms D84N.
Identifiers: ClinVar variation 821397 (VCV000821397.4), dbSNP rs1590129717, ClinGen allele CA370199112.

ClinVar aggregate classification (germline): Uncertain significance (1 of 4 stars; one submission).

Conditions:
Hereditary cancer-predisposing syndrome. Also called: Neoplastic Syndromes, Hereditary; Tumor predisposition; Hereditary Cancer Syndrome; Hereditary neoplastic syndrome. Identifiers: Orphanet 140162, MedGen C0027672, MeSH D009386, MONDO:0015356.

gnomAD v4.1: 1 of 1,613,892 alleles (0.000062%); highest among the groups gnomAD compares: East Asian, 0.0022%; no homozygotes.

Submission:

Ambry Genetics
Classification: Uncertain significance for Hereditary cancer-predisposing syndrome. Last evaluated: 2018-06-22. Review status: criteria provided, single submitter. Criteria: Ambry Variant Classification Scheme 2023. Collection method: clinical testing. Allele origin: germline.
Comment: The p.D84N variant (also known as c.250G>A), located in coding exon 3 of the XRCC2 gene, results from a G to A substitution at nucleotide position 250. The aspartic acid at codon 84 is replaced by asparagine, an amino acid with highly similar properties. This amino acid position is highly conserved in available vertebrate species. In addition, this alteration is predicted to be tolerated by in silico analysis. Since supporting evidence is limited at this time, the clinical significance of this alteration remains unclear.